The following is an entry in ClinVar:

ClinVar aggregate classification (germline): Likely benign. Review status: criteria provided, multiple submitters, no conflicts (2 of 4 stars). 2 submissions from 2 submitters: Likely benign (2). Last evaluated 2026-08-13.

Conditions:
TRIM37-related disorder. Also called: TRIM37-related condition.

Allele frequency attached by ClinVar (database versions not stated): gnomAD 0.00001; TOPMed 0.00002.
gnomAD v4.1: 15 of 1,614,086 alleles (0.00093%); highest among the groups gnomAD compares: African/African-American, 0.0013%; no homozygotes.

Submissions (2):

PreventionGenetics, part of Exact Sciences
Classification: Likely benign for TRIM37-related condition. Last evaluated: 2026-08-13. Review status: criteria provided, single submitter. Criteria: ACMG Guidelines, 2015. Collection method: clinical testing. Allele origin: germline.
Comment: This variant is classified as likely benign based on ACMG/AMP sequence variant interpretation guidelines (Richards et al. 2015 PMID: 25741868, with internal and published modifications).

Labcorp Genetics (formerly Invitae), Labcorp
Classification: Likely benign. Last evaluated: 2025-12-21. Review status: criteria provided, single submitter. Criteria: Invitae Variant Classification Sherloc (09022015). Collection method: clinical testing. Allele origin: germline.

NM_015294.6(TRIM37):c.2331A>G (p.Ala777=)

Gene: TRIM37 (tripartite motif containing 37; minus strand). Cytogenetic location: 17q22.
Variant type: single nucleotide variant.
Coding change: c.2331A>G on transcript NM_015294.6 (MANE Select); coding-DNA position 2331, A replaced by G.
Protein change: p.Ala777=; no amino-acid change (alanine 777 retained).
Molecular consequence: synonymous variant. On other transcripts: non-coding transcript variant (2).
Genome position (GRCh38, 1-based): chr17:59,017,351, T>C on the plus strand (A>G on the coding strand, the complement: TRIM37 is on the minus strand). VCF-style: chr17-59017351-T-C. GRCh37 (hg19) VCF-style: chr17-57094712-T-C.
Other names: c.2331A>G (NM_015294.4); c.2331A>G, p.Ala777= (NM_001005207.5, NM_001320988.3, NM_001320989.3 and 1 more transcripts); c.2229A>G, p.Ala743= (NM_001320987.3, NM_001353082.2); c.1965A>G, p.Ala655= (NM_001320990.3); c.1596A>G, p.Ala532= (NM_001353083.2); c.1869A>G, p.Ala623= (NM_001353085.2); c.2280A>G, p.Ala760= (NM_001353086.2).
Identifiers: ClinVar variation 2737459 (VCV002737459.4), dbSNP rs1010539175, ClinGen allele CA292053838.
Genomic context (GRCh38, chr17:59,017,351, plus strand): 5'-TTTACCTTCAGACAGAGTCTGACAGTCTCCCTTTGAACGACTATTTTCTCCAGGGTCCAC[T>C]GCTCTTCGAAGTGATAGACTACCTGCTACACTGGATCGAGCTGGCTTGGGCGAATTACTC-3'
Protein context (NP_056109.1, residues 767-787): SVAGSLSLRR[Ala777=]VDPGENSRSK